The following is an entry in ClinVar:

ClinVar aggregate classification (germline): Uncertain significance. Review status: criteria provided, multiple submitters, no conflicts (2 of 4 stars). 2 submissions from 2 submitters: Uncertain significance (2). Last evaluated 2025-05-15.

Allele frequency attached by ClinVar (database versions not stated): gnomAD 0.00003.
gnomAD v4.1: 17 of 1,614,046 alleles (0.0011%); highest among the groups gnomAD compares: Non-Finnish European, 0.0014%; no homozygotes.

Submissions (2):

Mayo Clinic Laboratories, Mayo Clinic
Classification: Uncertain significance. Last evaluated: 2025-05-15. Review status: criteria provided, single submitter. Criteria: ACMG Guidelines, 2015. Collection method: clinical testing. Allele origin: germline. Observed: 1 variant allele.
Comment: PM2_moderate

Labcorp Genetics (formerly Invitae), Labcorp
Classification: Uncertain significance. Last evaluated: 2022-10-28. Review status: criteria provided, single submitter. Criteria: Invitae Variant Classification Sherloc (09022015). Collection method: clinical testing. Allele origin: germline.
Comment: This sequence change replaces aspartic acid, which is acidic and polar, with glutamic acid, which is acidic and polar, at codon 2914 of the LRP2 protein (p.Asp2914Glu). This variant is present in population databases (no rsID available, gnomAD 0.007%). This variant has not been reported in the literature in individuals affected with LRP2-related conditions. Advanced modeling of protein sequence and biophysical properties (such as structural, functional, and spatial information, amino acid conservation, physicochemical variation, residue mobility, and thermodynamic stability) performed at Invitae indicates that this missense variant is not expected to disrupt LRP2 protein function. Algorithms developed to predict the effect of sequence changes on RNA splicing suggest that this variant may disrupt the consensus splice site. In summary, the available evidence is currently insufficient to determine the role of this variant in disease. Therefore, it has been classified as a Variant of Uncertain Significance.

NM_004525.3(LRP2):c.8742T>G (p.Asp2914Glu)

Gene: LRP2 (LDL receptor related protein 2; minus strand). Cytogenetic location: 2q31.1.
Variant type: single nucleotide variant.
Coding change: c.8742T>G on transcript NM_004525.3 (MANE Select); coding-DNA position 8742, T replaced by G.
Protein change: p.Asp2914Glu; replaces aspartic acid 2914 with glutamic acid.
Molecular consequence: missense variant.
Genome position (GRCh38, 1-based): chr2:169,193,849, A>C on the plus strand (T>G on the coding strand, the complement: LRP2 is on the minus strand). VCF-style: chr2-169193849-A-C. GRCh37 (hg19) VCF-style: chr2-170050359-A-C.
Other names: p.Asp2914Glu; short protein forms D2914E.
Identifiers: ClinVar variation 1922223 (VCV001922223.3), dbSNP rs754129832, ClinGen allele CA59923681.